The following is an entry in ClinVar:

ClinVar aggregate classification (germline): Likely benign. Review status: criteria provided, single submitter (1 of 4 stars). 2 submissions from 2 submitters: Likely benign (1). 1 of the submissions does not count toward it. Last evaluated 2024-03-05.

Conditions:
FREM1-related disorder. Also called: FREM1-Related Disorders; FREM1-related condition.

gnomAD v4.1: 45 of 1,613,786 alleles (0.0028%); highest among the groups gnomAD compares: East Asian, 0.087%; no homozygotes.

Submissions (2):

Labcorp Genetics (formerly Invitae), Labcorp
Classification: Likely benign. Last evaluated: 2024-03-05. Review status: criteria provided, single submitter. Criteria: Invitae Variant Classification Sherloc (09022015). Collection method: clinical testing. Allele origin: germline.

PreventionGenetics, part of Exact Sciences
Classification: Likely benign for FREM1-related condition. Last evaluated: 2024-03-08. Review status: no assertion criteria provided. Collection method: clinical testing. Allele origin: germline. Not counted in ClinVar's aggregate classification.
Comment: This variant is classified as likely benign based on ACMG/AMP sequence variant interpretation guidelines (Richards et al. 2015 PMID: 25741868, with internal and published modifications).

NM_001379081.2(FREM1):c.3600G>T (p.Gly1200=)

Gene: FREM1 (FRAS1 related extracellular matrix 1; minus strand). Cytogenetic location: 9p22.3.
Variant type: single nucleotide variant.
Coding change: c.3600G>T on transcript NM_001379081.2 (MANE Select); coding-DNA position 3600, G replaced by T.
Protein change: p.Gly1200=; no amino-acid change (glycine 1200 retained).
Molecular consequence: synonymous variant. On other transcripts: non-coding transcript variant (2).
Genome position (GRCh38, 1-based): chr9:14,801,746, C>A on the plus strand (G>T on the coding strand, the complement: FREM1 is on the minus strand). VCF-style: chr9-14801746-C-A. GRCh37 (hg19) VCF-style: chr9-14801744-C-A.
Other names: c.3600G>T, p.Gly1200= (NM_144966.7).
Identifiers: ClinVar variation 3351849 (VCV003351849.3).